The following is an entry in ClinVar:

ClinVar aggregate classification (germline): Pathogenic (1 of 4 stars; one submission).

Conditions:
Mucolipidosis type II. Also called: ML II ALPHA/BETA; Mucolipidosis 2; ML 2; Inclusion cell disease; Leroy Disease; N-acetylglucosamine 1phosphotransferase deficiency. Identifiers: Orphanet 576, MedGen C2673377, MONDO:0009650, OMIM 252500.
Pseudo-Hurler polydystrophy. Also called: ML III; ML III ALPHA/BETA; Type III Mucolipidosis; ML IIIA; Mucolipidosis III Alpha/Beta; MUCOLIPIDOSIS IIIA. Identifiers: Orphanet 423461, Orphanet 577, MedGen C0033788, MONDO:0018931, OMIM 252600.

Submission:

Labcorp Genetics (formerly Invitae), Labcorp
Classification: Pathogenic for Pseudo-Hurler polydystrophy; Mucolipidosis type II. Last evaluated: 2023-06-16. Review status: criteria provided, single submitter. Criteria: Invitae Variant Classification Sherloc (09022015). Collection method: clinical testing. Allele origin: germline.
Comment: This variant has not been reported in the literature in individuals affected with GNPTAB-related conditions. This variant is not present in population databases (gnomAD no frequency). This sequence change creates a premature translational stop signal (p.Tyr11Leufs*44) in the GNPTAB gene. It is expected to result in an absent or disrupted protein product. Loss-of-function variants in GNPTAB are known to be pathogenic (PMID: 19617216, 25107912). For these reasons, this variant has been classified as Pathogenic.

Literature cited by the submitters: PubMed 19617216; PubMed 25107912.

NM_024312.5(GNPTAB):c.31dup (p.Tyr11fs)

Gene: GNPTAB (N-acetylglucosamine-1-phosphate transferase subunits alpha and beta; minus strand). Cytogenetic location: 12q23.2.
Variant type: Duplication.
Coding change: c.31dup on transcript NM_024312.5 (MANE Select); coding-DNA position 31, one base duplicated (T; older notation c.31dupT).
Protein change: p.Tyr11fs; shifts the reading frame from tyrosine 11.
Molecular consequence: frameshift variant.
Genome position (GRCh38, 1-based): chr12:101,830,645, A duplicated on the plus strand (T on the coding strand, the reverse complement: GNPTAB is on the minus strand). VCF-style (leftmost placement, unchanged base first): chr12-101830644-T-TA. GRCh37 (hg19) VCF-style: chr12-102224422-T-TA.
Other names: short protein forms Y11fs.
Identifiers: ClinVar variation 2942203 (VCV002942203.3), dbSNP rs2547989611, ClinGen allele CA2575265310.